The following is an entry in ClinVar:

NM_000152.5(GAA):c.1194+2T>A

Gene: GAA (alpha glucosidase; plus strand). Cytogenetic location: 17q25.3.
Variant type: single nucleotide variant.
Coding change: c.1194+2T>A on transcript NM_000152.5 (MANE Select); the canonical splice donor site of the intron after coding-DNA position 1194, T replaced by A.
Molecular consequence: splice donor variant.
Genome position (GRCh38, 1-based): chr17:80,108,609, T>A. VCF-style: chr17-80108609-T-A. GRCh37 (hg19) VCF-style: chr17-78082408-T-A.
Other names: c.1194+2T>A (NM_001406741.1, NM_001406742.1, NM_001079803.3 and 1 more transcripts).
Identifiers: ClinVar variation 4876508 (VCV004876508.1).

ClinVar aggregate classification (germline): Pathogenic (1 of 4 stars; one submission).

Conditions:
Glycogen storage disease, type II (IOPD). Also called: Pompe Disease; CARDIOMEGALIA GLYCOGENICA DIFFUSA; GLYCOGENOSIS, GENERALIZED, CARDIAC FORM; GSD II; POMPE DISEASE, INFANTILE-ONSET; GLYCOGEN STORAGE DISEASE II, INFANTILE-ONSET. Identifiers: Orphanet 365, MedGen C0017921, MONDO:0009290, OMIM 232300.

Submission:

Genomenon, Inc
Classification: Pathogenic for Glycogen storage disease, type II. Last evaluated: 2026-07-01. Review status: criteria provided, single submitter. Criteria: Genomenon Sequence Variant Interpretation Standards - Updated. Collection method: curation. Allele origin: germline. Affected: yes.
Comment: GAA c.1194+2T>A is a canonical splice variant affecting the donor splice site of intron 7. It is predicted to affect mRNA splicing, leading to a deleterious effect on the GAA protein. This variant has been observed in at least one proband with a GAA-related disorder (PMID:25052852). At least one splicing study has demonstrated that this variant results in aberrant splicing (PMID:21179066). It is absent or not present at a significant frequency in gnomAD. In conclusion, we classify GAA c.1194+2T>A as a pathogenic variant.

Literature cited by the submitters: PubMed 25052852; PubMed 21179066.